The following is an entry in ClinVar:

NM_020433.5(JPH2):c.1991C>T (p.Ala664Val)

Gene: JPH2 (junctophilin 2; minus strand). Cytogenetic location: 20q13.12.
Variant type: single nucleotide variant.
Coding change: c.1991C>T on transcript NM_020433.5 (MANE Select); coding-DNA position 1991, C replaced by T.
Protein change: p.Ala664Val; replaces alanine 664 with valine.
Molecular consequence: missense variant.
Genome position (GRCh38, 1-based): chr20:44,115,684, G>A on the plus strand (C>T on the coding strand, the complement: JPH2 is on the minus strand). VCF-style: chr20-44115684-G-A. GRCh37 (hg19) VCF-style: chr20-42744324-G-A.
Other names: short protein forms A664V.
Identifiers: ClinVar variation 848827 (VCV000848827.12), dbSNP rs766295044, ClinGen allele CA9868553.

ClinVar aggregate classification (germline): Conflicting classifications of pathogenicity. Review status: criteria provided, conflicting classifications (1 of 4 stars). 2 submissions from 2 submitters: Uncertain significance (1); Likely benign (1). Last evaluated 2024-07-15.

Conditions:
Cardiovascular phenotype. Identifiers: MedGen CN230736.
Hypertrophic cardiomyopathy. Also called: HYPERTROPHIC MYOCARDIOPATHY. Identifiers: Orphanet 217569, MedGen C0007194, MeSH D002312, MONDO:0005045, HP:0001639.

Allele frequency attached by ClinVar (database versions not stated): gnomAD exomes 0.00001; ExAC 0.00002.
gnomAD v4.1: 15 of 1,612,760 alleles (0.00093%); highest among the groups gnomAD compares: South Asian, 0.0055%; no homozygotes.

Submissions (2):

Ambry Genetics
Classification: Likely benign for Cardiovascular phenotype. Last evaluated: 2024-07-15. Review status: criteria provided, single submitter. Criteria: Ambry Variant Classification Scheme 2023. Collection method: clinical testing. Allele origin: germline.

Labcorp Genetics (formerly Invitae), Labcorp
Classification: Uncertain significance for Hypertrophic cardiomyopathy. Last evaluated: 2019-12-22. Review status: criteria provided, single submitter. Criteria: Invitae Variant Classification Sherloc (09022015). Collection method: clinical testing. Allele origin: germline.
Comment: Algorithms developed to predict the effect of missense changes on protein structure and function output the following: SIFT: "Tolerated"; PolyPhen-2: "Benign"; Align-GVGD: "Class C0". The valine amino acid residue is found in multiple mammalian species, suggesting that this missense change does not adversely affect protein function. These predictions have not been confirmed by published functional studies and their clinical significance is uncertain. In summary, the available evidence is currently insufficient to determine the role of this variant in disease. Therefore, it has been classified as a Variant of Uncertain Significance. This variant has not been reported in the literature in individuals with JPH2-related conditions. This variant is present in population databases (rs766295044, ExAC 0.006%). This sequence change replaces alanine with valine at codon 664 of the JPH2 protein (p.Ala664Val). The alanine residue is weakly conserved and there is a small physicochemical difference between alanine and valine.